The following is an entry in ClinVar:

ClinVar aggregate classification (germline): Uncertain significance (1 of 4 stars; one submission).

Conditions:
Charcot-Marie-Tooth disease type 4. Also called: Charcot-Marie-Tooth disease, type IV; Charcot-Marie-Tooth, Type 4. Identifiers: Orphanet 64749, MedGen C4082197, MONDO:0018995.

Submission:

Labcorp Genetics (formerly Invitae), Labcorp
Classification: Uncertain significance for Charcot-Marie-Tooth disease type 4. Last evaluated: 2023-08-31. Review status: criteria provided, single submitter. Criteria: Invitae Variant Classification Sherloc (09022015). Collection method: clinical testing. Allele origin: germline.
Comment: This sequence change replaces threonine, which is neutral and polar, with isoleucine, which is neutral and non-polar, at codon 1434 of the SBF2 protein (p.Thr1434Ile). This variant is not present in population databases (gnomAD no frequency). This variant has not been reported in the literature in individuals affected with SBF2-related conditions. Advanced modeling of protein sequence and biophysical properties (such as structural, functional, and spatial information, amino acid conservation, physicochemical variation, residue mobility, and thermodynamic stability) performed at Invitae indicates that this missense variant is expected to disrupt SBF2 protein function. In summary, the available evidence is currently insufficient to determine the role of this variant in disease. Therefore, it has been classified as a Variant of Uncertain Significance.

NM_030962.4(SBF2):c.4301C>T (p.Thr1434Ile)

Genes: SBF2 (SET binding factor 2; minus strand), SBF2-AS1 (SBF2 antisense RNA 1; plus strand). Cytogenetic location: 11p15.4.
Variant type: single nucleotide variant.
Coding change: c.4301C>T on transcript NM_030962.4 (MANE Select); coding-DNA position 4301, C replaced by T.
Protein change: p.Thr1434Ile; replaces threonine 1434 with isoleucine.
Molecular consequence: missense variant. On other transcripts: non-coding transcript variant (1).
Genome position (GRCh38, 1-based): chr11:9,808,142, G>A on the plus strand (C>T on the coding strand, the complement: SBF2 is on the minus strand). VCF-style: chr11-9808142-G-A. GRCh37 (hg19) VCF-style: chr11-9829689-G-A.
Other names: c.4397C>T, p.Thr1466Ile (NM_001386339.1); c.4172C>T, p.Thr1391Ile (NM_001386342.1); c.4337C>T, p.Thr1446Ile (NM_001424318.1, NM_001425070.1); c.4196C>T, p.Thr1399Ile (NM_001425069.1); short protein forms T1391I, T1399I, T1446I, T1434I, T1466I.
Identifiers: ClinVar variation 2740043 (VCV002740043.3), dbSNP rs2494599546, ClinGen allele CA379640215.